The following is an entry in ClinVar:

NM_005445.4(SMC3):c.3298-3dup

Gene: SMC3 (structural maintenance of chromosomes 3; plus strand). Cytogenetic location: 10q25.2.
Variant type: Duplication.
Coding change: c.3298-3dup on transcript NM_005445.4 (MANE Select); 3 bases into the intron before coding-DNA position 3298, one base duplicated (T; older notation c.3298-3dupT).
Molecular consequence: intron variant.
Genome position (GRCh38, 1-based): chr10:110,602,822, T duplicated; the last of 5 consecutive T bases (chr10:110,602,818-110,602,822); duplicating any one gives the same sequence. VCF-style (leftmost placement, unchanged base first): chr10-110602817-A-AT. GRCh37 (hg19) VCF-style: chr10-112362575-A-AT.
Other names: c.3298-3dupT (NM_005445.3).
Identifiers: ClinVar variation 1601519 (VCV001601519.11), dbSNP rs750133429, ClinGen allele CA5688405.

ClinVar aggregate classification (germline): Benign/Likely benign. Review status: criteria provided, multiple submitters, no conflicts (2 of 4 stars). 3 submissions from 3 submitters: Benign (1); Likely benign (1). 1 of the submissions does not count toward it. Last evaluated 2025-11-08.

Conditions:
Cornelia de Lange syndrome 3 (CDLS3). Also called: SMC3-Related Cornelia de Lange Syndrome; CORNELIA DE LANGE SYNDROME 3 WITH OR WITHOUT MIDLINE BRAIN DEFECTS. Identifiers: Orphanet 199, MedGen C1853099, MONDO:0012555, OMIM 610759.
SMC3-related disorder. Also called: SMC3-related condition.

Submissions (3):

Labcorp Genetics (formerly Invitae), Labcorp
Classification: Benign for Cornelia de Lange syndrome 3. Last evaluated: 2025-11-08. Review status: criteria provided, single submitter. Criteria: Invitae Variant Classification Sherloc (09022015). Collection method: clinical testing. Allele origin: germline.

Blueprint Genetics
Classification: Likely benign. Last evaluated: 2024-03-18. Review status: criteria provided, single submitter. Criteria: ACMG Guidelines, 2015. Collection method: clinical testing. Allele origin: germline.

PreventionGenetics, part of Exact Sciences
Classification: Likely benign for SMC3-related condition. Last evaluated: 2019-10-16. Review status: no assertion criteria provided. Collection method: clinical testing. Allele origin: germline. Not counted in ClinVar's aggregate classification.
Comment: This variant is classified as likely benign based on ACMG/AMP sequence variant interpretation guidelines (Richards et al. 2015 PMID: 25741868, with internal and published modifications).